The following is an entry in ClinVar:

ClinVar aggregate classification (germline): Likely benign. Review status: criteria provided, single submitter (1 of 4 stars). 2 submissions from 2 submitters: Likely benign (1). 1 of the submissions does not count toward it. Last evaluated 2024-11-01.

Conditions:
BRSK2-related disorder. Also called: BRSK2-related condition; BRSK2-Related Disorders.

gnomAD v4.1: 158 of 1,597,046 alleles (0.0099%); highest among the groups gnomAD compares: Middle Eastern, 0.05%; no homozygotes.

Submissions (2):

CeGaT Center for Human Genetics Tuebingen
Classification: Likely benign. Last evaluated: 2024-11-01. Review status: criteria provided, single submitter. Criteria: CeGaT Center For Human Genetics Tuebingen Variant Classification Criteria Version 2. Collection method: clinical testing. Allele origin: germline. Affected: yes. Observed: 1 variant allele.
Comment: BRSK2: BP4, BP7

PreventionGenetics, part of Exact Sciences
Classification: Likely benign for BRSK2-related condition. Last evaluated: 2024-09-03. Review status: no assertion criteria provided. Collection method: clinical testing. Allele origin: germline. Not counted in ClinVar's aggregate classification.
Comment: This variant is classified as likely benign based on ACMG/AMP sequence variant interpretation guidelines (Richards et al. 2015 PMID: 25741868, with internal and published modifications).

NM_001256627.2(BRSK2):c.1320C>T (p.Pro440=)

Gene: BRSK2 (BR serine/threonine kinase 2; plus strand). Cytogenetic location: 11p15.5.
Variant type: single nucleotide variant.
Coding change: c.1320C>T on transcript NM_001256627.2 (MANE Select); coding-DNA position 1320, C replaced by T.
Protein change: p.Pro440=; no amino-acid change (proline 440 retained).
Molecular consequence: synonymous variant. On other transcripts: non-coding transcript variant (1).
Genome position (GRCh38, 1-based): chr11:1,450,619, C>T. VCF-style: chr11-1450619-C-T. GRCh37 (hg19) VCF-style: chr11-1471849-C-T.
Other names: c.1320C>T, p.Pro440= (NM_001256629.2, NM_003957.4); c.1458C>T, p.Pro486= (NM_001256630.1); c.1140C>T, p.Pro380= (NM_001282218.2).
Identifiers: ClinVar variation 3350081 (VCV003350081.15).
Genomic context (GRCh38, chr11:1,450,619, plus strand): 5'-AAACACCAAATCTGTCCCCACCATACAGGTGACCCCTCACCCCTCACCAAGGGGCAGTCC[C>T]CTCCCCACCCCCAAGGGGACACCTGTCCACACGCCAAAGGAGAGCCCGGCTGGCACGCCC-3'
Protein context (NP_001243556.1, residues 430-450): VTPHPSPRGS[Pro440=]LPTPKGTPVH